The following is an entry in ClinVar:

ClinVar aggregate classification (germline): Uncertain significance. Review status: criteria provided, multiple submitters, no conflicts (2 of 4 stars). 2 submissions from 2 submitters: Uncertain significance (2). Last evaluated 2025-06-30.

Conditions:
Branched-chain keto acid dehydrogenase kinase deficiency (BCKDKD). Also called: BCKDK DEFICIENCY. Identifiers: Orphanet 308410, MedGen C3554078, MONDO:0013970, OMIM 614923.
Inborn genetic diseases. Identifiers: MedGen C0950123, MeSH D030342.

Allele frequency attached by ClinVar (database versions not stated): gnomAD 0.00001 and 0.00002; gnomAD exomes 0.00002 and 0.00004; TOPMed 0.00002; ExAC 0.00006; 1000 Genomes Project 30x 0.00031; 1000 Genomes Project 0.00040.
gnomAD v4.1: 30 of 1,613,990 alleles (0.0019%); highest among the groups gnomAD compares: Admixed American, 0.0067%; no homozygotes.

Submissions (2):

Ambry Genetics
Classification: Uncertain significance for Inborn genetic diseases. Last evaluated: 2025-06-30. Review status: criteria provided, single submitter. Criteria: Ambry Variant Classification Scheme 2023. Collection method: clinical testing. Allele origin: germline.

Baylor Genetics
Classification: Uncertain significance for Branched-chain keto acid dehydrogenase kinase deficiency. Last evaluated: 2019-01-10. Review status: criteria provided, single submitter. Criteria: ACMG Guidelines, 2015. Collection method: clinical testing. Allele origin: unknown. Affected: yes.
Comment: This variant was determined to be of uncertain significance according to ACMG Guidelines, 2015 [PMID:25741868].

NM_005881.4(BCKDK):c.305T>C (p.Ile102Thr)

Gene: BCKDK (branched chain keto acid dehydrogenase kinase; plus strand). Cytogenetic location: 16p11.2.
Variant type: single nucleotide variant.
Coding change: c.305T>C on transcript NM_005881.4 (MANE Select); coding-DNA position 305, T replaced by C.
Protein change: p.Ile102Thr; replaces isoleucine 102 with threonine.
Molecular consequence: missense variant.
Genome position (GRCh38, 1-based): chr16:31,109,713, T>C. VCF-style: chr16-31109713-T-C. GRCh37 (hg19) VCF-style: chr16-31121034-T-C.
Other names: c.305T>C, p.Ile102Thr (NM_001122957.4, NM_001271926.3); short protein forms I102T.
Identifiers: ClinVar variation 1028955 (VCV001028955.2), dbSNP rs556255123, ClinGen allele CA8021519.
Genomic context (GRCh38, chr16:31,109,713, plus strand): 5'-CCCTTCTCATTTTCTCCCAGAAAAGTGCTCGGTACCTGCAGCAAGAACTTCCAGTGAGGA[T>C]TGCTCACCGCATCAAGGGCTTCCGCTGCCTTCCTTTCATCATTGGCTGCAACCCCACCAT-3'
Protein context (NP_005872.2, residues 92-112): RYLQQELPVR[Ile102Thr]AHRIKGFRCL